The following is an entry in ClinVar:

ClinVar aggregate classification (germline): Uncertain significance (1 of 4 stars; one submission).

Submission:

GeneDx
Classification: Uncertain significance. Last evaluated: 2022-01-12. Review status: criteria provided, single submitter. Criteria: GeneDx Variant Classification Process June 2021. Collection method: clinical testing. Allele origin: germline. Affected: yes.
Comment: Not observed at significant frequency in large population cohorts (gnomAD); In silico analysis supports that this missense variant does not alter protein structure/function; Has not been previously published as pathogenic or benign to our knowledge

NM_000092.5(COL4A4):c.73T>G (p.Ser25Ala)

Gene: COL4A4 (collagen type IV alpha 4 chain; minus strand). Cytogenetic location: 2q36.3.
Variant type: single nucleotide variant.
Coding change: c.73T>G on transcript NM_000092.5 (MANE Select); coding-DNA position 73, T replaced by G.
Protein change: p.Ser25Ala; replaces serine 25 with alanine.
Molecular consequence: missense variant.
Genome position (GRCh38, 1-based): chr2:227,144,557, A>C on the plus strand (T>G on the coding strand, the complement: COL4A4 is on the minus strand). VCF-style: chr2-227144557-A-C. GRCh37 (hg19) VCF-style: chr2-228009273-A-C.
Other names: short protein forms S25A.
Identifiers: ClinVar variation 1696992 (VCV001696992.2), dbSNP rs2125348343, ClinGen allele CA350842729.